The following is an entry in ClinVar:

NM_004006.3(DMD):c.4296G>C (p.Gln1432His)

Gene: DMD (dystrophin; minus strand). Cytogenetic location: Xp21.1.
Variant type: single nucleotide variant.
Coding change: c.4296G>C on transcript NM_004006.3 (MANE Select); coding-DNA position 4296, G replaced by C.
Protein change: p.Gln1432His; replaces glutamine 1432 with histidine.
Molecular consequence: missense variant.
Genome position (GRCh38, 1-based): chrX:32,390,119, C>G on the plus strand (G>C on the coding strand, the complement: DMD is on the minus strand). VCF-style: chrX-32390119-C-G. GRCh37 (hg19) VCF-style: chrX-32408236-C-G.
Other names: c.4272G>C, p.Gln1424His (NM_000109.4); c.4284G>C, p.Gln1428His (NM_004009.3); c.3927G>C, p.Gln1309His (NM_004010.3); c.273G>C, p.Gln91His (NM_004011.4); c.264G>C, p.Gln88His (NM_004012.4); short protein forms Q1432H, Q1424H, Q1309H, Q91H, Q1428H, Q88H.
Identifiers: ClinVar variation 526068 (VCV000526068.9), dbSNP rs747262903, ClinGen allele CA412664027.

ClinVar aggregate classification (germline): Uncertain significance. Review status: criteria provided, multiple submitters, no conflicts (2 of 4 stars). 5 submissions from 5 submitters: Uncertain significance (4). 1 of the submissions does not count toward it. Last evaluated 2023-09-27.

Conditions:
Duchenne muscular dystrophy (DMD). Also called: MUSCULAR DYSTROPHY, PSEUDOHYPERTROPHIC PROGRESSIVE, DUCHENNE TYPE; Duchenne Muscular Dystrophy (DMD). Identifiers: Orphanet 98896, MedGen C0013264, MONDO:0010679, OMIM 310200.
Dystrophin deficiency.
Cardiomyopathy (CMYO). Also called: Cardiomyopathies. Identifiers: Orphanet 167848, MedGen C0878544, MONDO:0004994, HP:0001638. Inheritance: Various modes of inheritance.
Becker muscular dystrophy (BMD). Also called: MUSCULAR DYSTROPHY, PSEUDOHYPERTROPHIC PROGRESSIVE, BECKER TYPE; Becker Muscular Dystrophy (BMD). Identifiers: Orphanet 98895, MedGen C0917713, MONDO:0010311, OMIM 300376.
Cardiovascular phenotype. Identifiers: MedGen CN230736.

gnomAD v4.1: 6 of 1,210,890 alleles (0.0005%); highest among the groups gnomAD compares: East Asian, 0.015%; no homozygotes.

Submissions (5):

Blueprint Genetics
Classification: Uncertain significance. Last evaluated: 2023-09-27. Review status: criteria provided, single submitter. Criteria: ACMG Guidelines, 2015. Collection method: clinical testing. Allele origin: germline.

Labcorp Genetics (formerly Invitae), Labcorp
Classification: Uncertain significance for Duchenne muscular dystrophy. Last evaluated: 2021-11-13. Review status: criteria provided, single submitter. Criteria: Invitae Variant Classification Sherloc (09022015). Collection method: clinical testing. Allele origin: germline.
Comment: This sequence change replaces glutamine, which is neutral and polar, with histidine, which is basic and polar, at codon 1432 of the DMD protein (p.Gln1432His). This variant is present in population databases (no rsID available, gnomAD 0.008%). This missense change has been observed in individual(s) with duchenne muscular dystrophy (PMID: 27263301). This variant is also known as p.Gln1424His. ClinVar contains an entry for this variant (Variation ID: 526068). Algorithms developed to predict the effect of missense changes on protein structure and function are either unavailable or do not agree on the potential impact of this missense change (SIFT: "Tolerated"; PolyPhen-2: "Possibly Damaging"; Align-GVGD: "Class C0"). In summary, the available evidence is currently insufficient to determine the role of this variant in disease. Therefore, it has been classified as a Variant of Uncertain Significance.

Ambry Genetics
Classification: Uncertain significance for Cardiovascular phenotype. Last evaluated: 2021-04-06. Review status: criteria provided, single submitter. Criteria: Ambry Variant Classification Scheme 2023. Collection method: clinical testing. Allele origin: germline.
Comment: The p.Q1432H variant (also known as c.4296G>C), located in coding exon 31 of the DMD gene, results from a G to C substitution at nucleotide position 4296. The glutamine at codon 1432 is replaced by histidine, an amino acid with highly similar properties. Based on data from gnomAD, the C allele has an overall frequency of 0.0005%% (1/182711) total alleles studied, with no hemizygotes observed. The highest observed frequency was 0.007% (1/13786) of East Asian alleles. This amino acid position is not well conserved in available vertebrate species. In addition, this alteration is predicted to be tolerated by in silico analysis. Since supporting evidence is limited at this time, the clinical significance of this alteration remains unclear.

Women's Health and Genetics/Laboratory Corporation of America, LabCorp
Classification: Uncertain significance. Last evaluated: 2020-10-12. Review status: criteria provided, single submitter. Criteria: LabCorp Variant Classification Summary - May 2015. Collection method: clinical testing. Allele origin: germline.
Comment: Variant summary: DMD c.4296G>C (p.Gln1432His) results in a non-conservative amino acid change located in the Central rod domain: Repeat 10 (DOVE) of the encoded protein sequence. Four of five in-silico tools predict a benign effect of the variant on protein function. The variant allele was found at a frequency of 5.5e-06 in 182711 control chromosomes (gnomAD). The available data on variant occurrences in the general population are insufficient to allow any conclusion about variant significance. c.4296G>C has been reported in the literature in one individual affected with Duchenne muscular dystrophy (Wang_2016). To our knowledge, no experimental evidence demonstrating an impact on protein function has been reported. One ClinVar submitter (evaluation after 2014) cites the variant as uncertain significance. Based on the evidence outlined above, the variant was classified as uncertain significance.

Natera, Inc.
Classification: Uncertain significance for Becker muscular dystrophy; Cardiomyopathy; Duchenne muscular dystrophy; Dystrophin deficiency. Last evaluated: 2019-08-26. Review status: no assertion criteria provided. Collection method: clinical testing. Allele origin: germline. Not counted in ClinVar's aggregate classification.

Literature cited by the submitters: PubMed 27263301 (cited by 3 submitters).